The following is an entry in ClinVar:

NM_001291746.2(REL):c.1573T>C (p.Ser525Pro)

Gene: REL (REL proto-oncogene, NF-kB subunit; plus strand). Cytogenetic location: 2p16.1.
Variant type: single nucleotide variant.
Coding change: c.1573T>C on transcript NM_001291746.2 (MANE Select); coding-DNA position 1573, T replaced by C.
Protein change: p.Ser525Pro; replaces serine 525 with proline.
Molecular consequence: missense variant.
Genome position (GRCh38, 1-based): chr2:60,922,344, T>C. VCF-style: chr2-60922344-T-C. GRCh37 (hg19) VCF-style: chr2-61149479-T-C.
Other names: c.1669T>C, p.Ser557Pro (NM_002908.4); short protein forms S525P, S557P.
Identifiers: ClinVar variation 2064823 (VCV002064823.4), dbSNP rs149627368, ClinGen allele CA1672499.

ClinVar aggregate classification (germline): Conflicting classifications of pathogenicity. Review status: criteria provided, conflicting classifications (1 of 4 stars). 3 submissions from 3 submitters: Uncertain significance (2); Likely benign (1). Last evaluated 2024-11-25.

Allele frequency attached by ClinVar (database versions not stated): ESP Exome Variant Server 0.00008; gnomAD 0.00010; ExAC 0.00014; TOPMed 0.00016; gnomAD exomes 0.00019.
gnomAD v4.1: 306 of 1,614,028 alleles (0.019%); highest among the groups gnomAD compares: Non-Finnish European, 0.019%; no homozygotes.

Submissions (3):

Ambry Genetics
Classification: Uncertain significance. Last evaluated: 2024-11-25. Review status: criteria provided, single submitter. Criteria: Ambry Variant Classification Scheme 2023. Collection method: clinical testing. Allele origin: germline.

Blueprint Genetics
Classification: Likely benign. Last evaluated: 2024-11-19. Review status: criteria provided, single submitter. Criteria: ACMG Guidelines, 2015. Collection method: clinical testing. Allele origin: germline.

Labcorp Genetics (formerly Invitae), Labcorp
Classification: Uncertain significance. Last evaluated: 2022-03-26. Review status: criteria provided, single submitter. Criteria: Invitae Variant Classification Sherloc (09022015). Collection method: clinical testing. Allele origin: germline.
Comment: This sequence change replaces serine, which is neutral and polar, with proline, which is neutral and non-polar, at codon 557 of the REL protein (p.Ser557Pro). This variant is present in population databases (rs149627368, gnomAD 0.1%). This variant has not been reported in the literature in individuals affected with REL-related conditions. Algorithms developed to predict the effect of missense changes on protein structure and function output the following: SIFT: "Tolerated"; PolyPhen-2: "Benign"; Align-GVGD: "Class C0". The proline amino acid residue is found in multiple mammalian species, which suggests that this missense change does not adversely affect protein function. Experimental studies are conflicting or provide insufficient evidence to determine the effect of this variant on REL function (PMID: 17072339). In summary, the available evidence is currently insufficient to determine the role of this variant in disease. Therefore, it has been classified as a Variant of Uncertain Significance.

Literature cited by the submitters: PubMed 17072339 (cited by Labcorp Genetics (formerly Invitae), Labcorp).